The following is an entry in ClinVar:

ClinVar aggregate classification (germline): Pathogenic (1 of 4 stars; one submission).

Conditions:
Gorlin syndrome. Also called: Nevoid Basal Cell Carcinoma Syndrome; Basal cell nevus syndrome. Identifiers: Orphanet 377, MedGen C0004779, MONDO:0007187.

Allele frequency attached by ClinVar (database versions not stated): gnomAD exomes below 0.00001.
gnomAD v4.1: 1 of 1,613,688 alleles (0.000062%); no homozygotes.

Submission:

Labcorp Genetics (formerly Invitae), Labcorp
Classification: Pathogenic for Gorlin syndrome. Last evaluated: 2022-08-25. Review status: criteria provided, single submitter. Criteria: Invitae Variant Classification Sherloc (09022015). Collection method: clinical testing. Allele origin: germline.
Comment: This sequence change affects an acceptor splice site in intron 20 of the PTCH1 gene. It is expected to disrupt RNA splicing. Variants that disrupt the donor or acceptor splice site typically lead to a loss of protein function (PMID: 16199547), and loss-of-function variants in PTCH1 are known to be pathogenic (PMID: 16301862, 16419085). This variant is present in population databases (no rsID available, gnomAD 0.004%). Disruption of this splice site has been observed in individuals with basal cell nevus syndrome (Invitae). ClinVar contains an entry for this variant (Variation ID: 661808). Algorithms developed to predict the effect of sequence changes on RNA splicing suggest that this variant may disrupt the consensus splice site. For these reasons, this variant has been classified as Pathogenic.

Literature cited by the submitters: PubMed 16199547; PubMed 16301862; PubMed 16419085.

NM_000264.5(PTCH1):c.3450-1G>A

Gene: PTCH1 (patched 1; minus strand). Cytogenetic location: 9q22.32.
Variant type: single nucleotide variant.
Coding change: c.3450-1G>A on transcript NM_000264.5 (MANE Select); the canonical splice acceptor site of the intron before coding-DNA position 3450, G replaced by A.
Molecular consequence: splice acceptor variant.
Genome position (GRCh38, 1-based): chr9:95,449,941, C>T on the plus strand (G>A on the coding strand, the complement: PTCH1 is on the minus strand). VCF-style: chr9-95449941-C-T. GRCh37 (hg19) VCF-style: chr9-98212223-C-T.
Other names: c.3447-1G>A (NM_001083603.3); c.3252-1G>A (NM_001083602.3); c.3294-1G>A (NM_001354918.2); c.2997-1G>A (NM_001083605.3, NM_001083604.3, NM_001083606.3 and 1 more transcripts).
Identifiers: ClinVar variation 661808 (VCV000661808.9), dbSNP rs1403732379, ClinGen allele CA374111638.